The following is an entry in ClinVar:

NM_001367943.1(TCF7L2):c.634A>G (p.Thr212Ala)

Gene: TCF7L2 (transcription factor 7 like 2; plus strand). Cytogenetic location: 10q25.3.
Variant type: single nucleotide variant.
Coding change: c.634A>G on transcript NM_001367943.1 (MANE Select); coding-DNA position 634, A replaced by G.
Protein change: p.Thr212Ala; replaces threonine 212 with alanine.
Molecular consequence: missense variant.
Genome position (GRCh38, 1-based): chr10:113,141,265, A>G. VCF-style: chr10-113141265-A-G. GRCh37 (hg19) VCF-style: chr10-114901024-A-G.
Other names: c.634A>G, p.Thr212Ala (NM_001146274.2, NM_001198531.2, NM_001363501.2); c.706A>G, p.Thr236Ala (NM_001146283.2); c.565A>G, p.Thr189Ala (NM_001146284.2, NM_001146285.2, NM_001146286.2 and 6 more transcripts); c.463A>G, p.Thr155Ala (NM_001198530.2); c.205A>G, p.Thr69Ala (NM_001349870.2); c.85A>G, p.Thr29Ala (NM_001349871.1); short protein forms T155A, T189A, T212A, T236A, T29A, T69A.
Identifiers: ClinVar variation 3603250 (VCV003603250.1).

ClinVar aggregate classification (germline): Uncertain significance (1 of 4 stars; one submission).

Submission:

GeneDx
Classification: Uncertain significance. Last evaluated: 2024-08-05. Review status: criteria provided, single submitter. Criteria: GeneDx Variant Classification Process June 2021. Collection method: clinical testing. Allele origin: germline. Affected: yes.
Comment: Not observed at significant frequency in large population cohorts (gnomAD); In silico analysis indicates that this missense variant does not alter protein structure/function; Has not been previously published as pathogenic or benign to our knowledge